The following is an entry in ClinVar:

ClinVar aggregate classification (germline): Pathogenic. Review status: criteria provided, single submitter (1 of 4 stars). 3 submissions from 3 submitters: Pathogenic (1). 2 of the submissions do not count toward it. Last evaluated 2018-04-11.

Allele frequency attached by ClinVar (database versions not stated): gnomAD exomes below 0.00001.
gnomAD v4.1: 1 of 1,610,954 alleles (0.000062%); highest among the groups gnomAD compares: Non-Finnish European, 0.000085%; no homozygotes.

Submissions (3):

GeneDx
Classification: Pathogenic. Last evaluated: 2018-04-11. Review status: criteria provided, single submitter. Criteria: GeneDx Variant Classification (06012015). Collection method: clinical testing. Allele origin: germline. Affected: yes.
Comment: The Q147X variant in the ACVRL1 gene has been reported in a patient with HHT (Letteboer et al., 2005). This variant is predicted to cause loss of normal protein function either by protein truncation or nonsense-mediated mRNA decay. Other nonsense variants in the ACVRL1 gene have been reported in Human Gene Mutation Database in association with HHT (Stenson et al., 2014). Furthermore, the Q147X variant is not observed in large population cohorts (Lek et al., 2016). In summary, Q147X in the HHT gene is interpreted as a pathogenic variant.

Clinical Genetics, Academic Medical Center
Classification: Pathogenic. Review status: no assertion criteria provided. Collection method: clinical testing. Allele origin: germline. Affected: yes. Study: VKGL Data-share Consensus. Not counted in ClinVar's aggregate classification.

Genome Diagnostics Laboratory, University Medical Center Utrecht
Classification: Pathogenic. Review status: no assertion criteria provided. Collection method: clinical testing. Allele origin: germline. Affected: yes. Study: VKGL Data-share Consensus. Not counted in ClinVar's aggregate classification.

NM_000020.3(ACVRL1):c.439C>T (p.Gln147Ter)

Gene: ACVRL1 (activin A receptor like type 1; plus strand). Cytogenetic location: 12q13.13.
Variant type: single nucleotide variant.
Coding change: c.439C>T on transcript NM_000020.3 (MANE Select); coding-DNA position 439, C replaced by T.
Protein change: p.Gln147Ter; replaces glutamine 147 with a stop codon.
Molecular consequence: nonsense.
Genome position (GRCh38, 1-based): chr12:51,913,684, C>T. VCF-style: chr12-51913684-C-T. GRCh37 (hg19) VCF-style: chr12-52307468-C-T.
Other names: c.439C>T, p.Gln147Ter (NM_001077401.2); short protein forms Q147*.
Identifiers: ClinVar variation 523777 (VCV000523777.4), dbSNP rs1555152650, ClinGen allele CA384898875.